The following is an entry in ClinVar:

NM_177438.3(DICER1):c.1778C>T (p.Ser593Leu)

Gene: DICER1 (dicer 1, ribonuclease III; minus strand). Cytogenetic location: 14q32.13.
Variant type: single nucleotide variant.
Coding change: c.1778C>T on transcript NM_177438.3 (MANE Select); coding-DNA position 1778, C replaced by T.
Protein change: p.Ser593Leu; replaces serine 593 with leucine.
Molecular consequence: missense variant.
Genome position (GRCh38, 1-based): chr14:95,115,796, G>A on the plus strand (C>T on the coding strand, the complement: DICER1 is on the minus strand). VCF-style: chr14-95115796-G-A. GRCh37 (hg19) VCF-style: chr14-95582133-G-A.
Other names: c.1778C>T, p.Ser593Leu (NM_001195573.1, NM_001271282.3, NM_001291628.2 and 1 more transcripts); short protein forms S593L.
Identifiers: ClinVar variation 820069 (VCV000820069.15), dbSNP rs752424727, ClinGen allele CA7331402.

ClinVar aggregate classification (germline): Uncertain significance. Review status: criteria provided, multiple submitters, no conflicts (2 of 4 stars). 2 submissions from 2 submitters: Uncertain significance (2). Last evaluated 2025-12-19.

Conditions:
Hereditary cancer-predisposing syndrome. Also called: Hereditary Cancer Syndrome; Neoplastic Syndromes, Hereditary; Hereditary neoplastic syndrome; Tumor predisposition. Identifiers: Orphanet 140162, MedGen C0027672, MeSH D009386, MONDO:0015356.
DICER1-related tumor predisposition. Also called: DICER1-related pleuropulmonary blastoma cancer predisposition syndrome; DICER1 syndrome. Identifiers: Orphanet 284343, MedGen C3839822, MONDO:0100216.

Allele frequency attached by ClinVar (database versions not stated): gnomAD exomes below 0.00001; ExAC 0.00001; gnomAD 0.00001.
gnomAD v4.1: 4 of 1,613,946 alleles (0.00025%); highest among the groups gnomAD compares: South Asian, 0.0011%; no homozygotes.

Submissions (2):

Labcorp Genetics (formerly Invitae), Labcorp
Classification: Uncertain significance for DICER1-related tumor predisposition. Last evaluated: 2025-12-19. Review status: criteria provided, single submitter. Criteria: Invitae Variant Classification Sherloc (09022015). Collection method: clinical testing. Allele origin: germline.
Comment: This sequence change replaces serine, which is neutral and polar, with leucine, which is neutral and non-polar, at codon 593 of the DICER1 protein (p.Ser593Leu). This variant is present in population databases (rs752424727, gnomAD 0.003%). This variant has not been reported in the literature in individuals affected with DICER1-related conditions. ClinVar contains an entry for this variant (Variation ID: 820069). Invitae Evidence Modeling of protein sequence and biophysical properties (such as structural, functional, and spatial information, amino acid conservation, physicochemical variation, residue mobility, and thermodynamic stability) indicates that this missense variant is not expected to disrupt DICER1 protein function with a negative predictive value of 95%. In summary, the available evidence is currently insufficient to determine the role of this variant in disease. Therefore, it has been classified as a Variant of Uncertain Significance.

Ambry Genetics
Classification: Uncertain significance for Hereditary cancer-predisposing syndrome. Last evaluated: 2024-07-11. Review status: criteria provided, single submitter. Criteria: Ambry Variant Classification Scheme 2023. Collection method: clinical testing. Allele origin: germline.
Comment: The p.S593L variant (also known as c.1778C>T), located in coding exon 10 of the DICER1 gene, results from a C to T substitution at nucleotide position 1778. The serine at codon 593 is replaced by leucine, an amino acid with dissimilar properties. This amino acid position is highly conserved in available vertebrate species. In addition, the in silico prediction for this alteration is inconclusive. Since supporting evidence is limited at this time, the clinical significance of this alteration remains unclear.